The following is an entry in ClinVar:

ClinVar aggregate classification (germline): Likely benign. Review status: criteria provided, single submitter (1 of 4 stars). 2 submissions from 2 submitters: Likely benign (1). 1 of the submissions does not count toward it. Last evaluated 2024-01-04.

Conditions:
KDM3B-related disorder. Also called: KDM3B-related condition.
Inborn genetic diseases. Identifiers: MedGen C0950123, MeSH D030342.

Allele frequency attached by ClinVar (database versions not stated): ExAC 0.00012; gnomAD 0.00027; ESP Exome Variant Server 0.00031.
gnomAD v4.1: 106 of 1,574,574 alleles (0.0067%); highest among the groups gnomAD compares: African/African-American, 0.12%; no homozygotes.

Submissions (2):

Ambry Genetics
Classification: Likely benign for Inborn genetic diseases. Last evaluated: 2024-01-04. Review status: criteria provided, single submitter. Criteria: Ambry Variant Classification Scheme 2023. Collection method: clinical testing. Allele origin: germline.

PreventionGenetics, part of Exact Sciences
Classification: Likely benign for KDM3B-related condition. Last evaluated: 2023-07-30. Review status: no assertion criteria provided. Collection method: clinical testing. Allele origin: germline. Not counted in ClinVar's aggregate classification.
Comment: This variant is classified as likely benign based on ACMG/AMP sequence variant interpretation guidelines (Richards et al. 2015 PMID: 25741868, with internal and published modifications).

NM_016604.4(KDM3B):c.3992G>T (p.Ser1331Ile)

Gene: KDM3B (lysine demethylase 3B; plus strand). Cytogenetic location: 5q31.2.
Variant type: single nucleotide variant.
Coding change: c.3992G>T on transcript NM_016604.4 (MANE Select); coding-DNA position 3992, G replaced by T.
Protein change: p.Ser1331Ile; replaces serine 1331 with isoleucine.
Molecular consequence: missense variant.
Genome position (GRCh38, 1-based): chr5:138,424,094, G>T. VCF-style: chr5-138424094-G-T. GRCh37 (hg19) VCF-style: chr5-137759783-G-T.
Other names: short protein forms S1331I.
Identifiers: ClinVar variation 3047398 (VCV003047398.3), dbSNP rs143453760, ClinGen allele CA3429382.